The following is an entry in ClinVar:

ClinVar aggregate classification (germline): Likely pathogenic. Review status: criteria provided, multiple submitters, no conflicts (2 of 4 stars). 3 submissions from 3 submitters: Likely pathogenic (2). 1 of the submissions does not count toward it. Last evaluated 2025-01-08.

Conditions:
Retinitis pigmentosa 92. Identifiers: MedGen C5562022, MONDO:0030619, OMIM 619614.

Allele frequency attached by ClinVar (database versions not stated): ESP Exome Variant Server 0.00023.
gnomAD v4.1: 231 of 1,614,066 alleles (0.014%); highest among the groups gnomAD compares: East Asian, 0.11%; no homozygotes.

Submissions (3):

First Genomix Gene Laboratory, Genetic Diagnostics Department
Classification: Likely pathogenic for Retinitis pigmentosa 92. Last evaluated: 2025-01-08. Review status: criteria provided, single submitter. Criteria: ACMG Guidelines, 2015. Collection method: clinical testing. Allele origin: germline. Inheritance: Autosomal recessive inheritance. Affected: no. Observed: 1 variant allele.

Juno Genomics, Hangzhou Juno Genomics, Inc
Classification: Likely pathogenic for Retinitis pigmentosa 92. Review status: criteria provided, single submitter. Criteria: ACMG Guidelines, 2015. Collection method: clinical testing. Allele origin: germline. Affected: yes.
Comment: Absent from controls (or at extremely low frequency if recessive) in Genome Aggregation Database, Exome Sequencing Project, 1000 Genomes Project, or Exome Aggregation Consortium.;For recessive disorders, detected in trans with a pathogenic variant.;Patient's phenotype or family history is highly specific for a disease with a single genetic etiology.;Well-established in vitro or in vivo functional studies supportive of a damaging effect on the gene or gene product.

OMIM
Classification: Pathogenic for RETINITIS PIGMENTOSA 92. Last evaluated: 2021-11-11. Review status: no assertion criteria provided. Collection method: literature only. Allele origin: germline. Not counted in ClinVar's aggregate classification.

Literature cited by the submitters: PubMed 30085091 (cited by OMIM).

NM_025130.4(HKDC1):c.173C>T (p.Thr58Met)

Genes: HKDC1 (hexokinase domain containing 1; plus strand), LOC101928994 (uncharacterized LOC101928994; minus strand). Cytogenetic location: 10q22.1.
Variant type: single nucleotide variant.
Coding change: c.173C>T on transcript NM_025130.4 (MANE Select); coding-DNA position 173, C replaced by T.
Protein change: p.Thr58Met; replaces threonine 58 with methionine.
Molecular consequence: missense variant.
Genome position (GRCh38, 1-based): chr10:69,227,316, C>T. VCF-style: chr10-69227316-C-T. GRCh37 (hg19) VCF-style: chr10-70987072-C-T.
Other names: short protein forms T58M.
Identifiers: ClinVar variation 1321242 (VCV001321242.4), dbSNP rs142379141, ClinGen allele CA5531084.